The following is an entry in ClinVar:

NM_003289.4(TPM2):c.278A>G (p.Gln93Arg)

Gene: TPM2 (tropomyosin 2; minus strand). Cytogenetic location: 9p13.3.
Variant type: single nucleotide variant.
Coding change: c.278A>G on transcript NM_003289.4 (MANE Select); coding-DNA position 278, A replaced by G.
Protein change: p.Gln93Arg; replaces glutamine 93 with arginine.
Molecular consequence: missense variant.
Genome position (GRCh38, 1-based): chr9:35,685,743, T>C on the plus strand (A>G on the coding strand, the complement: TPM2 is on the minus strand). VCF-style: chr9-35685743-T-C. GRCh37 (hg19) VCF-style: chr9-35685740-T-C.
Other names: c.278A>G, p.Gln93Arg (NM_001301226.2, NM_001301227.2, NM_213674.1); short protein forms Q93R.
Identifiers: ClinVar variation 140490 (VCV000140490.3), dbSNP rs199476151, ClinGen allele CA232639.

ClinVar aggregate classification (germline): Conflicting classifications of pathogenicity. Review status: criteria provided, conflicting classifications (1 of 4 stars). 3 submissions from 3 submitters: Likely pathogenic (1); Likely benign (1). 1 of the submissions does not count toward it. Last evaluated 2023-05-19.

Submissions (3):

GeneDx
Classification: Likely pathogenic. Last evaluated: 2023-05-19. Review status: criteria provided, single submitter. Criteria: GeneDx Variant Classification Process June 2021. Collection method: clinical testing. Allele origin: germline. Affected: yes.
Comment: Listed in a supplemental file as a TPM2 variant from the LOVD database, and no additional information was provided (Marston et al., 2013); Missense variants in this gene are often considered pathogenic (HGMD); In silico analysis supports that this missense variant has a deleterious effect on protein structure/function; Not observed at significant frequency in large population cohorts (gnomAD); This variant is associated with the following publications: (PMID: 27527004, 24692096, 33919826, 23886664)

PreventionGenetics, part of Exact Sciences
Classification: Likely benign. Review status: criteria provided, single submitter. Criteria: ACMG Guidelines, 2015. Collection method: clinical testing. Allele origin: germline.

TPM2 homepage - Leiden Muscular Dystrophy pages
No classification provided. Review status: no classification provided. Collection method: not provided. Allele origin: germline. Not counted in ClinVar's aggregate classification.